The following is an entry in ClinVar:

NM_006031.6(PCNT):c.9645A>G (p.Lys3215=)

Gene: PCNT (pericentrin; plus strand). Cytogenetic location: 21q22.3.
Variant type: single nucleotide variant.
Coding change: c.9645A>G on transcript NM_006031.6 (MANE Select); coding-DNA position 9645, A replaced by G.
Protein change: p.Lys3215=; no amino-acid change (lysine 3215 retained).
Molecular consequence: synonymous variant.
Genome position (GRCh38, 1-based): chr21:46,442,518, A>G. VCF-style: chr21-46442518-A-G. GRCh37 (hg19) VCF-style: chr21-47862431-A-G.
Other names: c.9054A>G, p.Lys3018= (NM_001315529.2).
Identifiers: ClinVar variation 3348761 (VCV003348761.1).

ClinVar aggregate classification (germline): Likely benign (0 of 4 stars; one submission).

Conditions:
PCNT-related disorder. Also called: PCNT-related condition.

gnomAD v4.1: 1 of 1,611,830 alleles (0.000062%); highest among the groups gnomAD compares: East Asian, 0.0022%; no homozygotes.

Submission:

PreventionGenetics, part of Exact Sciences
Classification: Likely benign for PCNT-related condition. Last evaluated: 2024-02-23. Review status: no assertion criteria provided. Collection method: clinical testing. Allele origin: germline.
Comment: This variant is classified as likely benign based on ACMG/AMP sequence variant interpretation guidelines (Richards et al. 2015 PMID: 25741868, with internal and published modifications).